The following is an entry in ClinVar:

NM_012062.5(DNM1L):c.787C>A (p.Arg263Ser)

Gene: DNM1L (dynamin 1 like; plus strand). Cytogenetic location: 12p11.21.
Variant type: single nucleotide variant.
Coding change: c.787C>A on transcript NM_012062.5 (MANE Select); coding-DNA position 787, C replaced by A.
Protein change: p.Arg263Ser; replaces arginine 263 with serine.
Molecular consequence: missense variant.
Genome position (GRCh38, 1-based): chr12:32,720,710, C>A. VCF-style: chr12-32720710-C-A. GRCh37 (hg19) VCF-style: chr12-32873644-C-A.
Other names: c.787C>A, p.Arg263Ser (NM_001278463.2, NM_005690.5, NM_012063.4); c.826C>A, p.Arg276Ser (NM_001278464.2, NM_001278465.2, NM_001330380.2); c.178C>A, p.Arg60Ser (NM_001278466.2); short protein forms R263S, R276S, R60S.
Identifiers: ClinVar variation 4723037 (VCV004723037.1).
Genomic context (GRCh38, chr12:32,720,710, plus strand): 5'-TTTTTCAACCTCAGGAGCCAGCTAGATATTAACAACAAGAAGAGTGTAACTGATTCAATC[C>A]GTGATGAGTATGCTTTTCTTCAAAAGAAATATCCATCTCTGGCCAATAGAAATGGAACAA-3'
Protein context (NP_036192.2, residues 253-273): NNKKSVTDSI[Arg263Ser]DEYAFLQKKY

ClinVar aggregate classification (germline): Uncertain significance (1 of 4 stars; one submission).

Submission:

Labcorp Genetics (formerly Invitae), Labcorp
Classification: Uncertain significance. Last evaluated: 2025-07-13. Review status: criteria provided, single submitter. Criteria: Invitae Variant Classification Sherloc (09022015). Collection method: clinical testing. Allele origin: germline.
Comment: This sequence change replaces arginine, which is basic and polar, with serine, which is neutral and polar, at codon 263 of the DNM1L protein (p.Arg263Ser). This variant is not present in population databases (gnomAD no frequency). This variant has not been reported in the literature in individuals affected with DNM1L-related conditions. An algorithm developed to predict the effect of missense changes on protein structure and function (PolyPhen-2) suggests that this variant is likely to be tolerated. In summary, the available evidence is currently insufficient to determine the role of this variant in disease. Therefore, it has been classified as a Variant of Uncertain Significance.